The following is an entry in ClinVar:

ClinVar aggregate classification (germline): Uncertain significance (1 of 4 stars; one submission).

Conditions:
Inborn genetic diseases. Identifiers: MedGen C0950123, MeSH D030342.

gnomAD v4.1: 1 of 1,613,960 alleles (0.000062%); highest among the groups gnomAD compares: African/African-American, 0.0013%; no homozygotes.

Submission:

Ambry Genetics
Classification: Uncertain significance for Inborn genetic diseases. Last evaluated: 2025-11-15. Review status: criteria provided, single submitter. Criteria: Ambry Variant Classification Scheme 2023. Collection method: clinical testing. Allele origin: germline.
Comment: The p.R353S variant (also known as c.1059G>T), located in coding exon 8 of the FANCG gene, results from a G to T substitution at nucleotide position 1059. The arginine at codon 353 is replaced by serine, an amino acid with dissimilar properties. This amino acid position is conserved. In addition, the in silico prediction for this alteration is inconclusive. Based on the available evidence, the clinical significance of this variant remains unclear.

NM_004629.2(FANCG):c.1059G>T (p.Arg353Ser)

Gene: FANCG (FA complementation group G; minus strand). Cytogenetic location: 9p13.3.
Variant type: single nucleotide variant.
Coding change: c.1059G>T on transcript NM_004629.2 (MANE Select); coding-DNA position 1059, G replaced by T.
Protein change: p.Arg353Ser; replaces arginine 353 with serine.
Molecular consequence: missense variant.
Genome position (GRCh38, 1-based): chr9:35,076,449, C>A on the plus strand (G>T on the coding strand, the complement: FANCG is on the minus strand). VCF-style: chr9-35076449-C-A. GRCh37 (hg19) VCF-style: chr9-35076446-C-A.
Other names: short protein forms R353S.
Identifiers: ClinVar variation 4619391 (VCV004619391.1).